The following is an entry in ClinVar:

NM_080732.4(EGLN2):c.641A>G (p.Lys214Arg)

Genes: EGLN2 (egl-9 family hypoxia inducible factor 2; plus strand), RAB4B-EGLN2 (RAB4B-EGLN2 readthrough (NMD candidate); plus strand). Cytogenetic location: 19q13.2.
Variant type: single nucleotide variant.
Coding change: c.641A>G on transcript NM_080732.4 (MANE Select); coding-DNA position 641, A replaced by G.
Protein change: p.Lys214Arg; replaces lysine 214 with arginine.
Molecular consequence: missense variant. On other transcripts: non-coding transcript variant (1).
Genome position (GRCh38, 1-based): chr19:40,801,213, A>G. VCF-style: chr19-40801213-A-G. GRCh37 (hg19) VCF-style: chr19-41307118-A-G.
Other names: c.641A>G, p.Lys214Arg (NM_053046.4); short protein forms K214R.
Identifiers: ClinVar variation 1753416 (VCV001753416.2), dbSNP rs1451320663, ClinGen allele CA405955683.
Genomic context (GRCh38, chr19:40,801,213, plus strand): 5'-AGGACAGCTTCCTGGGGGCAGCACTGGGCGGTCGCGTGCTGGCCGAGGTGGAGGCCCTCA[A>G]ACGGGGTGGGCGCCTGCGAGACGGGCAGCTAGTGAGCCAGAGGGCGATCCCGCCGCGCAG-3'
Protein context (NP_542770.2, residues 204-224): GRVLAEVEAL[Lys214Arg]RGGRLRDGQL

ClinVar aggregate classification (germline): Uncertain significance (1 of 4 stars; one submission).

Submission:

Ambry Genetics
Classification: Uncertain significance. Last evaluated: 2022-05-07. Review status: criteria provided, single submitter. Criteria: Ambry Variant Classification Scheme 2023. Collection method: clinical testing. Allele origin: germline.
Comment: The p.K214R variant (also known as c.641A>G), located in coding exon 1 of the EGLN2 gene, results from an A to G substitution at nucleotide position 641. The lysine at codon 214 is replaced by arginine, an amino acid with highly similar properties. This amino acid position is conserved. In addition, this alteration is predicted to be tolerated by in silico analysis. Since supporting evidence is limited at this time, the clinical significance of this alteration remains unclear.